The following is an entry in ClinVar:

NM_000047.3(ARSL):c.430+8C>T

Gene: ARSL (arylsulfatase L; minus strand). Cytogenetic location: Xp22.33.
Variant type: single nucleotide variant.
Coding change: c.430+8C>T on transcript NM_000047.3 (MANE Select); 8 bases into the intron after coding-DNA position 430, C replaced by T.
Molecular consequence: intron variant.
Genome position (GRCh38, 1-based): chrX:2,953,135, G>A on the plus strand (C>T on the coding strand, the complement: ARSL is on the minus strand). VCF-style: chrX-2953135-G-A. GRCh37 (hg19) VCF-style: chrX-2871176-G-A.
Other names: c.505+8C>T (NM_001282628.2, NM_001369080.1); c.268+8C>T (NM_001282631.2); c.457+8C>T (NM_001369079.1).
Identifiers: ClinVar variation 513003 (VCV000513003.31), dbSNP rs56393981, ClinGen allele CA10338200.

ClinVar aggregate classification (germline): Benign. Review status: criteria provided, multiple submitters, no conflicts (2 of 4 stars). 6 submissions from 6 submitters: Benign (6). Last evaluated 2026-02-01.

Conditions:
Chondrodysplasia punctata, brachytelephalangic, autosomal. Also called: BRACHYTELEPHALANGIC CHONDRODYSPLASIA PUNCTATA. Identifiers: MedGen C1844853, MONDO:0011238, OMIM 602497.
X-linked chondrodysplasia punctata 1 (CDPX1). Also called: CHONDRODYSPLASIA PUNCTATA, BRACHYTELEPHALANGIC; Chondrodysplasia punctata, X-linked recessive. Identifiers: Orphanet 79345, MedGen C3669395, MONDO:0010555, OMIM 302950.
Connective tissue disorder. Also called: Connective tissue disease. Identifiers: MedGen C0009782, MONDO:0003900.

Allele frequency attached by ClinVar (database versions not stated): ESP Exome Variant Server 0.00407; gnomAD 0.00462 and 0.00500; TOPMed 0.00580; gnomAD exomes 0.00586; ExAC 0.00617; 1000 Genomes Project 30x 0.00957; 1000 Genomes Project 0.01060.
gnomAD v4.1: 6,330 of 1,205,143 alleles (0.53%); highest among the groups gnomAD compares: East Asian, 4%; 35 homozygotes.

Submissions (6):

Labcorp Genetics (formerly Invitae), Labcorp
Classification: Benign for Chondrodysplasia punctata, brachytelephalangic, autosomal. Last evaluated: 2026-02-01. Review status: criteria provided, single submitter. Criteria: Invitae Variant Classification Sherloc (09022015). Collection method: clinical testing. Allele origin: germline.

ARUP Laboratories, Molecular Genetics and Genomics, ARUP Laboratories
Classification: Benign for X-linked chondrodysplasia punctata 1. Last evaluated: 2024-06-18. Review status: criteria provided, single submitter. Criteria: ARUP Molecular Germline Variant Investigation Process 2024. Collection method: clinical testing. Allele origin: germline.

Genome Diagnostics Laboratory, The Hospital for Sick Children
Classification: Benign for Connective tissue disorder. Last evaluated: 2021-08-06. Review status: criteria provided, single submitter. Criteria: ACMG Guidelines, 2015. Collection method: clinical testing. Allele origin: germline.

Genome-Nilou Lab
Classification: Benign for X-linked chondrodysplasia punctata 1. Last evaluated: 2021-07-14. Review status: criteria provided, single submitter. Criteria: ACMG Guidelines, 2015. Collection method: clinical testing. Allele origin: germline. Affected: no.

GeneDx
Classification: Benign. Last evaluated: 2017-12-11. Review status: criteria provided, single submitter. Criteria: GeneDx Variant Classification (06012015). Collection method: clinical testing. Allele origin: germline. Affected: yes.
Comment: This variant is considered likely benign or benign based on one or more of the following criteria: it is a conservative change, it occurs at a poorly conserved position in the protein, it is predicted to be benign by multiple in silico algorithms, and/or has population frequency not consistent with disease.

Breakthrough Genomics
Classification: Benign. Review status: criteria provided, single submitter. Criteria: ACMG Guidelines, 2015. Collection method: not provided. Allele origin: germline. Inheritance: X-linked inheritance. Affected: yes.